The following is an entry in ClinVar:

NM_002185.5(IL7R):c.290_300delinsTGAAAGATTGT (p.Lys97_Leu100delinsMetLysAspCys)

Gene: IL7R (interleukin 7 receptor; plus strand). Cytogenetic location: 5p13.2.
Variant type: Indel.
Coding change: c.290_300delinsTGAAAGATTGT on transcript NM_002185.5 (MANE Select); coding-DNA positions 290 to 300, AGAAATTCTTA replaced by TGAAAGATTGT.
Protein change: p.Lys97_Leu100delinsMetLysAspCys.
Molecular consequence: missense variant. On other transcripts: non-coding transcript variant (1).
Genome position (GRCh38, 1-based): chr5:35,867,374-35,867,384, AGAAATTCTTA replaced by TGAAAGATTGT. VCF-style: chr5-35867374-AGAAATTCTTA-TGAAAGATTGT. GRCh37 (hg19) VCF-style: chr5-35867476-AGAAATTCTTA-TGAAAGATTGT.
Other names: c.290_300delinsTGAAAGATTGT, p.Lys97_Leu100delinsMetLysAspCys (NM_001410734.1).
Identifiers: ClinVar variation 3731446 (VCV003731446.1).

ClinVar aggregate classification (germline): Likely pathogenic (1 of 4 stars; one submission).

Conditions:
Immunodeficiency 104. Also called: Severe combined immunodeficiency, autosomal recessive, T cell-negative, B cell-positive, NK cell-positive; IMMUNODEFICIENCY 104, SEVERE COMBINED; SCID, AUTOSOMAL RECESSIVE, T CELL-NEGATIVE, B CELL-POSITIVE, NK CELL-POSITIVE; Severe Combined Immune Deficiency, Autosomal Recessive, TCell -Negative, B Cell-Positive, NK Cell-Positive, IL7R-Related. Identifiers: MedGen C5676890, MONDO:0012163, OMIM 608971.

Submission:

Neuberg Centre For Genomic Medicine, NCGM
Classification: Likely pathogenic for Immunodeficiency 104. Last evaluated: 2023-06-22. Review status: criteria provided, single submitter. Criteria: ACMG Guidelines, 2015. Collection method: clinical testing. Allele origin: germline. Inheritance: Autosomal recessive inheritance. Affected: yes.
Comment: The indel c.290_300delinsTGAAAGATTGT (p.Lys97_Leu100delinsMetLysAspCys) variant in IL7R gene has not been previously reported as pathogenic variant nor as a benign variant, to our knowledge. The p.Lys97_Leu100delinsMetLysAspCys variant is absent in gnomAD Exomes. This variant has not been submitted to the ClinVar database. This variant is predicted to cause loss of normal protein function through protein truncation. Loss of function variants have been previously reported to be disease causing. For these reasons, this variant has been classified as Likely Pathogenic.